The following is an entry in ClinVar:

NM_001145809.2(MYH14):c.483G>A (p.Met161Ile)

Gene: MYH14 (myosin heavy chain 14; plus strand). Cytogenetic location: 19q13.33.
Variant type: single nucleotide variant.
Coding change: c.483G>A on transcript NM_001145809.2 (MANE Select); coding-DNA position 483, G replaced by A.
Protein change: p.Met161Ile; replaces methionine 161 with isoleucine.
Molecular consequence: missense variant.
Genome position (GRCh38, 1-based): chr19:50,217,692, G>A. VCF-style: chr19-50217692-G-A. GRCh37 (hg19) VCF-style: chr19-50720949-G-A.
Other names: c.483G>A, p.Met161Ile (NM_001077186.2, NM_024729.4); short protein forms M161I.
Identifiers: ClinVar variation 44073 (VCV000044073.34), dbSNP rs34773557, ClinGen allele CA133504.

ClinVar aggregate classification (germline): Benign. Review status: criteria provided, multiple submitters, no conflicts (2 of 4 stars). 11 submissions from 11 submitters: Benign (9). 2 of the submissions do not count toward it. Last evaluated 2026-01-28.

Conditions:
Autosomal dominant nonsyndromic hearing loss 4A. Also called: Deafness, autosomal dominant 4A. Identifiers: Orphanet 90635, MedGen C1833503, MONDO:0010915, OMIM 600652.

Allele frequency attached by ClinVar (database versions not stated): gnomAD 0.01615 and 0.01521; TOPMed 0.01663; gnomAD exomes 0.00820 and 0.00969; ExAC 0.00971; 1000 Genomes Project 0.01118; 1000 Genomes Project 30x 0.01156; ESP Exome Variant Server 0.01434.

Submissions (11):

Labcorp Genetics (formerly Invitae), Labcorp
Classification: Benign. Last evaluated: 2026-01-28. Review status: criteria provided, single submitter. Criteria: Invitae Variant Classification Sherloc (09022015). Collection method: clinical testing. Allele origin: germline.

ARUP Laboratories, Molecular Genetics and Genomics, ARUP Laboratories
Classification: Benign. Last evaluated: 2023-11-29. Review status: criteria provided, single submitter. Criteria: ARUP Molecular Germline Variant Investigation Process 2024. Collection method: clinical testing. Allele origin: germline.

Mayo Clinic Laboratories, Mayo Clinic
Classification: Benign. Last evaluated: 2019-11-20. Review status: criteria provided, single submitter. Criteria: ACMG Guidelines, 2015. Collection method: clinical testing. Allele origin: germline. Observed: 27 variant alleles.

Athena Diagnostics
Classification: Benign. Last evaluated: 2018-08-10. Review status: criteria provided, single submitter. Criteria: Athena Diagnostics Criteria. Collection method: clinical testing. Allele origin: germline.

Illumina Laboratory Services, Illumina
Classification: Benign for Autosomal dominant nonsyndromic hearing loss 4A. Last evaluated: 2018-01-12. Review status: criteria provided, single submitter. Criteria: ICSL Variant Classification Criteria 13 December 2019. Collection method: clinical testing. Allele origin: germline.
Comment: This variant was observed in the ICSL laboratory as part of a predisposition screen in an ostensibly healthy population. It had not been previously curated by ICSL or reported in the Human Gene Mutation Database (HGMD: prior to June 1st, 2018), and was therefore a candidate for classification through an automated scoring system. Utilizing variant allele frequency, disease prevalence and penetrance estimates, and inheritance mode, an automated score was calculated to assess if this variant is too frequent to cause the disease. Based on the score and internal cut-off values, a variant classified as benign is not then subjected to further curation. The score for this variant resulted in a classification of benign for this disease.

GeneDx
Classification: Benign. Last evaluated: 2017-11-17. Review status: criteria provided, single submitter. Criteria: GeneDx Variant Classification (06012015). Collection method: clinical testing. Allele origin: germline. Affected: yes.
Comment: This variant is considered likely benign or benign based on one or more of the following criteria: it is a conservative change, it occurs at a poorly conserved position in the protein, it is predicted to be benign by multiple in silico algorithms, and/or has population frequency not consistent with disease.

Eurofins Ntd Llc (ga)
Classification: Benign. Last evaluated: 2017-09-22. Review status: criteria provided, single submitter. Criteria: EGL Classification Definitions 2015. Collection method: clinical testing. Allele origin: germline. Observed: 2 variant alleles, 2 heterozygotes.

Laboratory for Molecular Medicine, Mass General Brigham Personalized Medicine
Classification: Benign. Last evaluated: 2012-05-07. Review status: criteria provided, single submitter. Criteria: LMM Criteria. Collection method: clinical testing. Allele origin: germline. Observed: 38 variant alleles.
Comment: Met161Ile in Exon 03 of MYH14: This variant is not expected to have clinical sig nificance because it has been identified in 2.8% (103/3676) of African American chromosomes from a broad population by the NHLBI Exome Sequencing Project (dbSNP rs34773557).

Breakthrough Genomics
Classification: Benign. Review status: criteria provided, single submitter. Criteria: ACMG Guidelines, 2015. Collection method: not provided. Allele origin: germline. Inheritance: Autosomal dominant inheritance. Affected: yes.

Clinical Genetics, Academic Medical Center
Classification: Likely benign. Review status: no assertion criteria provided. Collection method: clinical testing. Allele origin: germline. Affected: yes. Study: VKGL Data-share Consensus. Not counted in ClinVar's aggregate classification.

Laboratory of Diagnostic Genome Analysis, Leiden University Medical Center (LUMC)
Classification: Likely benign. Review status: no assertion criteria provided. Collection method: clinical testing. Allele origin: germline. Affected: yes. Study: VKGL Data-share Consensus. Not counted in ClinVar's aggregate classification.

Literature cited by the submitters: PubMed 24082139 (cited by Athena Diagnostics).